The following is an entry in ClinVar:

NM_003839.4(TNFRSF11A):c.1172C>T (p.Thr391Met)

Gene: TNFRSF11A (TNF receptor superfamily member 11a; plus strand). Cytogenetic location: 18q21.33.
Variant type: single nucleotide variant.
Coding change: c.1172C>T on transcript NM_003839.4 (MANE Select); coding-DNA position 1172, C replaced by T.
Protein change: p.Thr391Met; replaces threonine 391 with methionine.
Molecular consequence: missense variant. On other transcripts: intron variant (3).
Genome position (GRCh38, 1-based): chr18:62,369,089, C>T. VCF-style: chr18-62369089-C-T. GRCh37 (hg19) VCF-style: chr18-60036322-C-T.
Other names: c.1130C>T, p.Thr377Met (NM_001278268.2); c.783+2329C>T (NM_001270949.2); c.730+7296C>T (NM_001270950.2); c.616+9040C>T (NM_001270951.2); short protein forms T377M, T391M.
Identifiers: ClinVar variation 4768284 (VCV004768284.1).

ClinVar aggregate classification (germline): Uncertain significance (1 of 4 stars; one submission).

gnomAD v4.1: 5 of 1,614,072 alleles (0.00031%); highest among the groups gnomAD compares: Non-Finnish European, 0.00042%; no homozygotes.

Submission:

Labcorp Genetics (formerly Invitae), Labcorp
Classification: Uncertain significance. Last evaluated: 2025-06-03. Review status: criteria provided, single submitter. Criteria: Invitae Variant Classification Sherloc (09022015). Collection method: clinical testing. Allele origin: germline.
Comment: This sequence change replaces threonine, which is neutral and polar, with methionine, which is neutral and non-polar, at codon 391 of the TNFRSF11A protein (p.Thr391Met). The frequency data for this variant in the population databases is considered unreliable, as metrics indicate poor data quality at this position in the gnomAD database. This variant has not been reported in the literature in individuals affected with TNFRSF11A-related conditions. An algorithm developed to predict the effect of missense changes on protein structure and function (PolyPhen-2) suggests that this variant is likely to be disruptive. In summary, the available evidence is currently insufficient to determine the role of this variant in disease. Therefore, it has been classified as a Variant of Uncertain Significance.